The following is an entry in ClinVar:

ClinVar aggregate classification (germline): Benign (1 of 4 stars; one submission).

Allele frequency attached by ClinVar (database versions not stated): 1000 Genomes Project 0.66633; 1000 Genomes Project 30x 0.66755; TOPMed 0.81569; gnomAD 0.82892; gnomAD exomes 0.87070.

Submission:

GeneDx
Classification: Benign. Last evaluated: 2018-06-14. Review status: criteria provided, single submitter. Criteria: GeneDx Variant Classification (06012015). Collection method: clinical testing. Allele origin: germline. Affected: yes.
Comment: This variant is considered likely benign or benign based on one or more of the following criteria: it is a conservative change, it occurs at a poorly conserved position in the protein, it is predicted to be benign by multiple in silico algorithms, and/or has population frequency not consistent with disease.

NM_002529.4(NTRK1):c.2205+155G>C

Gene: NTRK1 (neurotrophic receptor tyrosine kinase 1; plus strand). Cytogenetic location: 1q23.1.
Variant type: single nucleotide variant.
Coding change: c.2205+155G>C on transcript NM_002529.4 (MANE Select); 155 bases into the intron after coding-DNA position 2205, G replaced by C.
Molecular consequence: intron variant.
Genome position (GRCh38, 1-based): chr1:156,880,312, G>C. VCF-style: chr1-156880312-G-C. GRCh37 (hg19) VCF-style: chr1-156850104-G-C.
Other names: c.2097+155G>C (NM_001007792.1); c.2187+155G>C (NM_001012331.2).
Identifiers: ClinVar variation 667765 (VCV000667765.1), dbSNP rs2274499, ClinGen allele CA10988918.